The following is an entry in ClinVar:

NM_001374736.1(DST):c.21538A>G (p.Met7180Val)

Gene: DST (dystonin; minus strand). Cytogenetic location: 6p12.1.
Variant type: single nucleotide variant.
Coding change: c.21538A>G on transcript NM_001374736.1 (MANE Select); coding-DNA position 21538, A replaced by G.
Protein change: p.Met7180Val; replaces methionine 7180 with valine.
Molecular consequence: missense variant.
Genome position (GRCh38, 1-based): chr6:56,477,482, T>C on the plus strand (A>G on the coding strand, the complement: DST is on the minus strand). VCF-style: chr6-56477482-T-C. GRCh37 (hg19) VCF-style: chr6-56342280-T-C.
Other names: c.15181A>G, p.Met5061Val (NM_001144769.5); c.14767A>G, p.Met4923Val (NM_001144770.2); c.21538A>G, p.Met7180Val (NM_001374722.1); c.20578A>G, p.Met6860Val (NM_001374729.1); c.14320A>G, p.Met4774Val (NM_001374730.1); c.21565A>G, p.Met7189Val (NM_001374734.1); c.14647A>G, p.Met4883Val (NM_001386100.1, NM_183380.4); c.13669A>G, p.Met4557Val (NM_015548.5); short protein forms M4557V, M4774V, M4883V, M4923V, M5061V, M6860V, M7180V, M7189V.
Identifiers: ClinVar variation 1013292 (VCV001013292.49), dbSNP rs200006386, ClinGen allele CA3866436.

ClinVar aggregate classification (germline): Conflicting classifications of pathogenicity. Review status: criteria provided, conflicting classifications (1 of 4 stars). 5 submissions from 5 submitters: Uncertain significance (1); Likely benign (3). 1 of the submissions does not count toward it. Last evaluated 2026-01-27.

Conditions:
DST-related disorder. Also called: DST-related disorders; DST-related condition.
Epidermolysis bullosa simplex 3, localized or generalized intermediate, with BP230 deficiency (EBS3). Also called: Epidermolysis bullosa simplex due to BP230 deficiency; Epidermolysis bullosa simplex, autosomal recessive 2. Identifiers: Orphanet 412181, MedGen C3809470, MONDO:0014180, OMIM 615425.
Hereditary sensory and autonomic neuropathy type 6. Also called: HSAN VI; Neuropathy, hereditary sensory and autonomic, type VI. Identifiers: Orphanet 314381, MedGen C3539003, MONDO:0013839, OMIM 614653.
Inborn genetic diseases. Identifiers: MedGen C0950123, MeSH D030342.

Allele frequency attached by ClinVar (database versions not stated): gnomAD exomes 0.00029 and 0.00053; ExAC 0.00047; 1000 Genomes Project 0.00060; 1000 Genomes Project 30x 0.00062; ESP Exome Variant Server 0.00100; TOPMed 0.00126; gnomAD 0.00131 and 0.00141.
gnomAD v4.1: 619 of 1,613,978 alleles (0.038%); highest among the groups gnomAD compares: African/African-American, 0.23%; 4 homozygotes.

Submissions (5):

Labcorp Genetics (formerly Invitae), Labcorp
Classification: Likely benign for Epidermolysis bullosa simplex 3, localized or generalized intermediate, with BP230 deficiency; Hereditary sensory and autonomic neuropathy type 6. Last evaluated: 2026-01-27. Review status: criteria provided, single submitter. Criteria: Invitae Variant Classification Sherloc (09022015). Collection method: clinical testing. Allele origin: germline.

CeGaT Center for Human Genetics Tuebingen
Classification: Likely benign. Last evaluated: 2026-01-01. Review status: criteria provided, single submitter. Criteria: CeGaT Center For Human Genetics Tuebingen Variant Classification Criteria Version 2. Collection method: clinical testing. Allele origin: germline. Affected: yes. Observed: 5 variant alleles.
Comment: DST: BS2

Blueprint Genetics
Classification: Likely benign. Last evaluated: 2024-10-25. Review status: criteria provided, single submitter. Criteria: ACMG Guidelines, 2015. Collection method: clinical testing. Allele origin: germline.

Ambry Genetics
Classification: Uncertain significance for Inborn genetic diseases. Last evaluated: 2022-01-05. Review status: criteria provided, single submitter. Criteria: Ambry Variant Classification Scheme 2023. Collection method: clinical testing. Allele origin: germline.
Comment: The p.M5061V variant (also known as c.15181A>G), located in coding exon 85 of the DST gene, results from an A to G substitution at nucleotide position 15181. The methionine at codon 5061 is replaced by valine, an amino acid with highly similar properties. This amino acid position is highly conserved in available vertebrate species. In addition, the in silico prediction for this alteration is inconclusive. Since supporting evidence is limited at this time, the clinical significance of this alteration remains unclear.

PreventionGenetics, part of Exact Sciences
Classification: Likely benign for DST-related condition. Last evaluated: 2023-04-26. Review status: no assertion criteria provided. Collection method: clinical testing. Allele origin: germline. Not counted in ClinVar's aggregate classification.
Comment: This variant is classified as likely benign based on ACMG/AMP sequence variant interpretation guidelines (Richards et al. 2015 PMID: 25741868, with internal and published modifications).